The following is an entry in ClinVar:

ClinVar aggregate classification (germline): Benign/Likely benign. Review status: criteria provided, multiple submitters, no conflicts (2 of 4 stars). 10 submissions from 10 submitters: Benign (8); Likely benign (1). 1 of the submissions does not count toward it. Last evaluated 2026-02-04.

Conditions:
Dyskeratosis congenita. Identifiers: Orphanet 1775, MedGen C0265965, MONDO:0015780.

Allele frequency attached by ClinVar (database versions not stated): gnomAD exomes 0.05222; 1000 Genomes Project 0.06172; 1000 Genomes Project 30x 0.06264; gnomAD 0.07287 and 0.07549; TOPMed 0.07682; ExAC 0.08085; ESP Exome Variant Server 0.08875.
gnomAD v4.1: 74,104 of 1,193,942 alleles (6.2%); highest among the groups gnomAD compares: African/African-American, 12%; 1,815 homozygotes.

Submissions (10):

Labcorp Genetics (formerly Invitae), Labcorp
Classification: Benign for Dyskeratosis congenita. Last evaluated: 2026-02-04. Review status: criteria provided, single submitter. Criteria: Invitae Variant Classification Sherloc (09022015). Collection method: clinical testing. Allele origin: germline.

ARUP Laboratories, Molecular Genetics and Genomics, ARUP Laboratories
Classification: Benign. Last evaluated: 2025-05-27. Review status: criteria provided, single submitter. Criteria: ARUP Molecular Germline Variant Investigation Process 2024. Collection method: clinical testing. Allele origin: germline.

Blueprint Genetics
Classification: Likely benign. Last evaluated: 2024-11-28. Review status: criteria provided, single submitter. Criteria: ACMG Guidelines, 2015. Collection method: clinical testing. Allele origin: germline.

Mayo Clinic Laboratories, Mayo Clinic
Classification: Benign. Last evaluated: 2018-04-30. Review status: criteria provided, single submitter. Criteria: ACMG Guidelines, 2015. Collection method: clinical testing. Allele origin: germline. Observed: 98 variant alleles.

Eurofins Ntd Llc (ga)
Classification: Benign. Last evaluated: 2015-05-06. Review status: criteria provided, single submitter. Criteria: EGL Classification Definitions 2015. Collection method: clinical testing. Allele origin: germline. Observed: 10 variant alleles, 1 heterozygote, 10 hemizygotes.

GeneDx
Classification: Benign. Last evaluated: 2015-03-03. Review status: criteria provided, single submitter. Criteria: GeneDx Variant Classification Process June 2021. Collection method: clinical testing. Allele origin: germline. Affected: yes.

Ambry Genetics
Classification: Benign for Dyskeratosis congenita. Last evaluated: 2014-11-24. Review status: criteria provided, single submitter. Criteria: Ambry Variant Classification Scheme 2023. Collection method: clinical testing. Allele origin: germline.

Breakthrough Genomics
Classification: Benign. Review status: criteria provided, single submitter. Criteria: ACMG Guidelines, 2015. Collection method: not provided. Allele origin: germline. Inheritance: X-linked inheritance. Affected: yes.

PreventionGenetics, part of Exact Sciences
Classification: Benign. Review status: criteria provided, single submitter. Criteria: ACMG Guidelines, 2015. Collection method: clinical testing. Allele origin: germline.

Genetic Services Laboratory, University of Chicago
Classification: Likely benign for AllHighlyPenetrant. Review status: no assertion criteria provided. Collection method: clinical testing. Allele origin: germline. Inheritance: X-linked inheritance. Not counted in ClinVar's aggregate classification.
Comment: Likely benign based on allele frequency in 1000 Genomes Project or ESP global frequency and its presence in a patient with a rare or unrelated disease phenotype. NOT Sanger confirmed.

NM_001363.5(DKC1):c.1461C>T (p.Ala487=)

Gene: DKC1 (dyskerin pseudouridine synthase 1; plus strand). Cytogenetic location: Xq28.
Variant type: single nucleotide variant.
Coding change: c.1461C>T on transcript NM_001363.5 (MANE Select); coding-DNA position 1461, C replaced by T.
Protein change: p.Ala487=; no amino-acid change (alanine 487 retained).
Molecular consequence: synonymous variant. On other transcripts: 3 prime UTR variant (1), non-coding transcript variant (3).
Genome position (GRCh38, 1-based): chrX:154,776,309, C>T. VCF-style: chrX-154776309-C-T. GRCh37 (hg19) VCF-style: chrX-154004584-C-T.
Other names: p.Ala487=; c.1446C>T, p.Ala482= (NM_001142463.3); c.*687C>T (NM_001288747.2).
Identifiers: ClinVar variation 128896 (VCV000128896.29), dbSNP rs1127051, ClinGen allele CA152571.